The following is an entry in ClinVar:

NM_001845.6(COL4A1):c.1451C>A (p.Pro484His)

Gene: COL4A1 (collagen type IV alpha 1 chain; minus strand). Cytogenetic location: 13q34.
Variant type: single nucleotide variant.
Coding change: c.1451C>A on transcript NM_001845.6 (MANE Select); coding-DNA position 1451, C replaced by A.
Protein change: p.Pro484His; replaces proline 484 with histidine.
Molecular consequence: missense variant.
Genome position (GRCh38, 1-based): chr13:110,192,844, G>T on the plus strand (C>A on the coding strand, the complement: COL4A1 is on the minus strand). VCF-style: chr13-110192844-G-T. GRCh37 (hg19) VCF-style: chr13-110845191-G-T.
Other names: c.1451C>A (NM_001845.4); c.1451C>A, p.Pro484His (NM_001303110.2); short protein forms P484H.
Identifiers: ClinVar variation 2198192 (VCV002198192.8), dbSNP rs371902686, ClinGen allele CA256269900.

ClinVar aggregate classification (germline): Uncertain significance. Review status: criteria provided, multiple submitters, no conflicts (2 of 4 stars). 4 submissions from 4 submitters: Uncertain significance (4). Last evaluated 2025-06-12.

Conditions:
Retinal arterial tortuosity. Also called: Retinal arteries, tortuosity of; RETINAL HEMORRHAGE WITH VASCULAR TORTUOSITY. Identifiers: Orphanet 75326, MedGen C0423401, MONDO:0008373, OMIM 180000, HP:0000631.
Microangiopathy and leukoencephalopathy, pontine, autosomal dominant. Also called: DEMENTIA, HEREDITARY MULTI-INFARCT, SWEDISH TYPE; Pontine autosomal dominant microangiopathy with leukoencephalopathy. Identifiers: Orphanet 477749, MedGen C5231411, MONDO:0032814, OMIM 618564.
Autosomal dominant familial hematuria-retinal arteriolar tortuosity-contractures syndrome. Also called: Angiopathy, hereditary, with nephropathy, aneurysms, and muscle cramps; Hereditary Angiopathy with Nephropathy, Aneurysms, and Muscle Cramps (HANAC) Syndrome. Identifiers: Orphanet 73229, MedGen C2673195, MONDO:0012726, OMIM 611773.
Brain small vessel disease 1 with or without ocular anomalies (BSVD1). Also called: PORENCEPHALY, TYPE 1, AUTOSOMAL DOMINANT; GOULD SYNDROME 1; Brain small vessel disease with or without ocular anomalies; BRAIN SMALL VESSEL DISEASE WITH HEMORRHAGE. Identifiers: Orphanet 2940, Orphanet 36383, Orphanet 99810, MedGen C4755307, MONDO:0008289, OMIM 175780.
Hemorrhage, intracerebral, susceptibility to (ICH). Also called: Stroke, hemorrhagic, susceptibility to. Identifiers: MedGen C3281105, MONDO:0100533, OMIM 614519.
Inborn genetic diseases. Identifiers: MedGen C0950123, MeSH D030342.

Allele frequency attached by ClinVar (database versions not stated): gnomAD 0.00003; TOPMed 0.00004; ESP Exome Variant Server 0.00008.

Submissions (4):

Labcorp Genetics (formerly Invitae), Labcorp
Classification: Uncertain significance. Last evaluated: 2025-06-12. Review status: criteria provided, single submitter. Criteria: Invitae Variant Classification Sherloc (09022015). Collection method: clinical testing. Allele origin: germline.
Comment: This sequence change replaces proline, which is neutral and non-polar, with histidine, which is basic and polar, at codon 484 of the COL4A1 protein (p.Pro484His). The frequency data for this variant in the population databases is considered unreliable, as metrics indicate poor data quality at this position in the gnomAD database. This variant has not been reported in the literature in individuals affected with COL4A1-related conditions. ClinVar contains an entry for this variant (Variation ID: 2198192). Invitae Evidence Modeling of protein sequence and biophysical properties (such as structural, functional, and spatial information, amino acid conservation, physicochemical variation, residue mobility, and thermodynamic stability) indicates that this missense variant is not expected to disrupt COL4A1 protein function with a negative predictive value of 95%. In summary, the available evidence is currently insufficient to determine the role of this variant in disease. Therefore, it has been classified as a Variant of Uncertain Significance.

Ambry Genetics
Classification: Uncertain significance for Inborn genetic diseases. Last evaluated: 2025-03-17. Review status: criteria provided, single submitter. Criteria: Ambry Variant Classification Scheme 2023. Collection method: clinical testing. Allele origin: germline.

Fulgent Genetics
Classification: Uncertain significance for Brain small vessel disease 1 with or without ocular anomalies; Retinal arterial tortuosity; Autosomal dominant familial hematuria-retinal arteriolar tortuosity-contractures syndrome; Hemorrhage, intracerebral, susceptibility to; Microangiopathy and leukoencephalopathy, pontine, autosomal dominant. Last evaluated: 2024-02-12. Review status: criteria provided, single submitter. Criteria: ACMG Guidelines, 2015. Collection method: clinical testing. Allele origin: germline.

Revvity Omics, Revvity
Classification: Uncertain significance. Last evaluated: 2023-02-05. Review status: criteria provided, single submitter. Criteria: ACMG Guidelines, 2015. Collection method: clinical testing. Allele origin: germline.